The following is an entry in ClinVar:

NM_005477.3(HCN4):c.658G>T (p.Ala220Ser)

Gene: HCN4 (hyperpolarization activated cyclic nucleotide gated potassium channel 4; minus strand). Cytogenetic location: 15q24.1.
Variant type: single nucleotide variant.
Coding change: c.658G>T on transcript NM_005477.3 (MANE Select); coding-DNA position 658, G replaced by T.
Protein change: p.Ala220Ser; replaces alanine 220 with serine.
Molecular consequence: missense variant.
Genome position (GRCh38, 1-based): chr15:73,367,613, C>A on the plus strand (G>T on the coding strand, the complement: HCN4 is on the minus strand). VCF-style: chr15-73367613-C-A. GRCh37 (hg19) VCF-style: chr15-73659954-C-A.
Other names: short protein forms A220S.
Identifiers: ClinVar variation 577588 (VCV000577588.8), dbSNP rs953554623, ClinGen allele CA272700028.

ClinVar aggregate classification (germline): Uncertain significance (1 of 4 stars; one submission).

Conditions:
Brugada syndrome 8 (BRGDA8). Identifiers: Orphanet 130, MedGen C2751083, MONDO:0013148, OMIM 613123.

Allele frequency attached by ClinVar (database versions not stated): TOPMed below 0.00001; gnomAD 0.00001.

Submission:

Labcorp Genetics (formerly Invitae), Labcorp
Classification: Uncertain significance for Brugada syndrome 8. Last evaluated: 2018-05-30. Review status: criteria provided, single submitter. Criteria: Invitae Variant Classification Sherloc (09022015). Collection method: clinical testing. Allele origin: germline.
Comment: This sequence change replaces alanine with serine at codon 220 of the HCN4 protein (p.Ala220Ser). The alanine residue is moderately conserved and there is a moderate physicochemical difference between alanine and serine. This variant is not present in population databases (ExAC no frequency). This variant has not been reported in the literature in individuals with HCN4-related disease. Algorithms developed to predict the effect of missense changes on protein structure and function are either unavailable or do not agree on the potential impact of this missense change (SIFT: "Deleterious"; PolyPhen-2: "Not available"; Align-GVGD: "Class C0"). In summary, the available evidence is currently insufficient to determine the role of this variant in disease. Therefore, it has been classified as a Variant of Uncertain Significance.